The following is an entry in ClinVar:

NM_025179.4(PLXNA2):c.5160A>G (p.Leu1720=)

Gene: PLXNA2 (plexin A2; minus strand). Cytogenetic location: 1q32.2.
Variant type: single nucleotide variant.
Coding change: c.5160A>G on transcript NM_025179.4 (MANE Select); coding-DNA position 5160, A replaced by G.
Protein change: p.Leu1720=; no amino-acid change (leucine 1720 retained).
Molecular consequence: synonymous variant.
Genome position (GRCh38, 1-based): chr1:208,031,655, T>C on the plus strand (A>G on the coding strand, the complement: PLXNA2 is on the minus strand). VCF-style: chr1-208031655-T-C. GRCh37 (hg19) VCF-style: chr1-208205000-T-C.
Identifiers: ClinVar variation 718896 (VCV000718896.5), dbSNP rs754297836, ClinGen allele CA1372646.

ClinVar aggregate classification (germline): Likely benign. Review status: criteria provided, single submitter (1 of 4 stars). 2 submissions from 2 submitters: Likely benign (1). 1 of the submissions does not count toward it. Last evaluated 2018-04-09.

Conditions:
PLXNA2-related disorder. Also called: PLXNA2-related condition.

Allele frequency attached by ClinVar (database versions not stated): gnomAD exomes 0.00001; ExAC 0.00002; gnomAD 0.00003 and 0.00004; TOPMed 0.00007.
gnomAD v4.1: 25 of 1,613,718 alleles (0.0015%); highest among the groups gnomAD compares: Admixed American, 0.015%; no homozygotes.

Submissions (2):

Labcorp Genetics (formerly Invitae), Labcorp
Classification: Likely benign. Last evaluated: 2018-04-09. Review status: criteria provided, single submitter. Criteria: Invitae Variant Classification Sherloc (09022015). Collection method: clinical testing. Allele origin: germline.

PreventionGenetics, part of Exact Sciences
Classification: Likely benign for PLXNA2-related condition. Last evaluated: 2022-01-18. Review status: no assertion criteria provided. Collection method: clinical testing. Allele origin: germline. Not counted in ClinVar's aggregate classification.
Comment: This variant is classified as likely benign based on ACMG/AMP sequence variant interpretation guidelines (Richards et al. 2015 PMID: 25741868, with internal and published modifications).